The following is an entry in ClinVar:

ClinVar aggregate classification (germline): Uncertain significance (1 of 4 stars; one submission).

gnomAD v4.1: 1 of 1,613,910 alleles (0.000062%); highest among the groups gnomAD compares: Non-Finnish European, 0.000085%; no homozygotes.

Submission:

Ambry Genetics
Classification: Uncertain significance. Last evaluated: 2025-10-29. Review status: criteria provided, single submitter. Criteria: Ambry Variant Classification Scheme 2023. Collection method: clinical testing. Allele origin: germline.
Comment: The p.T1241A variant (also known as c.3721A>G), located in coding exon 30 of the A2ML1 gene, results from an A to G substitution at nucleotide position 3721. The threonine at codon 1241 is replaced by alanine, an amino acid with similar properties. This amino acid position is conserved. In addition, the in silico prediction for this alteration is inconclusive. Based on the available evidence, the clinical significance of this variant remains unclear.

NM_144670.6(A2ML1):c.3721A>G (p.Thr1241Ala)

Gene: A2ML1 (alpha-2-macroglobulin like 1; plus strand). Cytogenetic location: 12p13.31.
Variant type: single nucleotide variant.
Coding change: c.3721A>G on transcript NM_144670.6 (MANE Select); coding-DNA position 3721, A replaced by G.
Protein change: p.Thr1241Ala; replaces threonine 1241 with alanine.
Molecular consequence: missense variant.
Genome position (GRCh38, 1-based): chr12:8,867,845, A>G. VCF-style: chr12-8867845-A-G. GRCh37 (hg19) VCF-style: chr12-9020441-A-G.
Other names: c.2248A>G, p.Thr750Ala (NM_001282424.3); short protein forms T1241A, T750A.
Identifiers: ClinVar variation 4635637 (VCV004635637.1).